The following is an entry in ClinVar:

ClinVar aggregate classification (germline): Uncertain significance. Review status: criteria provided, multiple submitters, no conflicts (2 of 4 stars). 3 submissions from 3 submitters: Uncertain significance (3). Last evaluated 2024-03-28.

Conditions:
Inborn genetic diseases. Identifiers: MedGen C0950123, MeSH D030342.
Hypercalcemia, infantile, 1 (HCINF1). Identifiers: Orphanet 300547, MedGen CN031131, MONDO:0020739, OMIM 143880.

Allele frequency attached by ClinVar (database versions not stated): TOPMed below 0.00001.
gnomAD v4.1: 15 of 1,613,994 alleles (0.00093%); highest among the groups gnomAD compares: South Asian, 0.0033%; no homozygotes.

Submissions (3):

Fulgent Genetics
Classification: Uncertain significance for Hypercalcemia, infantile, 1. Last evaluated: 2024-03-28. Review status: criteria provided, single submitter. Criteria: ACMG Guidelines, 2015. Collection method: clinical testing. Allele origin: germline.

Ambry Genetics
Classification: Uncertain significance for Inborn genetic diseases. Last evaluated: 2021-11-12. Review status: criteria provided, single submitter. Criteria: Ambry Variant Classification Scheme 2023. Collection method: clinical testing. Allele origin: germline.

Labcorp Genetics (formerly Invitae), Labcorp
Classification: Uncertain significance. Last evaluated: 2021-04-09. Review status: criteria provided, single submitter. Criteria: Invitae Variant Classification Sherloc (09022015). Collection method: clinical testing. Allele origin: germline.
Comment: This variant is not present in population databases (ExAC no frequency). In summary, the available evidence is currently insufficient to determine the role of this variant in disease. Therefore, it has been classified as a Variant of Uncertain Significance. Advanced modeling of protein sequence and biophysical properties (such as structural, functional, and spatial information, amino acid conservation, physicochemical variation, residue mobility, and thermodynamic stability) performed at Invitae indicates that this missense variant is not expected to disrupt CYP24A1 protein function. This variant has not been reported in the literature in individuals with CYP24A1-related conditions. This sequence change replaces alanine with glutamic acid at codon 368 of the CYP24A1 protein (p.Ala368Glu). The alanine residue is moderately conserved and there is a moderate physicochemical difference between alanine and glutamic acid.

NM_000782.5(CYP24A1):c.1103C>A (p.Ala368Glu)

Gene: CYP24A1 (cytochrome P450 family 24 subfamily A member 1; minus strand). Cytogenetic location: 20q13.2.
Variant type: single nucleotide variant.
Coding change: c.1103C>A on transcript NM_000782.5 (MANE Select); coding-DNA position 1103, C replaced by A.
Protein change: p.Ala368Glu; replaces alanine 368 with glutamic acid.
Molecular consequence: missense variant.
Genome position (GRCh38, 1-based): chr20:54,159,011, G>T on the plus strand (C>A on the coding strand, the complement: CYP24A1 is on the minus strand). VCF-style: chr20-54159011-G-T. GRCh37 (hg19) VCF-style: chr20-52775550-G-T.
Other names: c.1103C>A, p.Ala368Glu (NM_001128915.2); c.1103C>A (NM_000782.4); short protein forms A368E.
Identifiers: ClinVar variation 1464180 (VCV001464180.11), dbSNP rs1227845728, ClinGen allele CA409389886.
Genomic context (GRCh38, chr20:54,159,011, plus strand): 5'-TCTTACCTCATAGATTCTTTCAGACAGGCTTTTAAATACGGCATATTCCTCAAATCTTCT[G>T]CCCGTGGCACCTGATTCTCAGGTAATACACTTTGAATTTCCTTAAGAAGCTTTTGTTGCA-3'
Protein context (NP_000773.2, residues 358-378): SVLPENQVPR[Ala368Glu]EDLRNMPYLK